The following is an entry in ClinVar:

NM_005120.3(MED12):c.6267+20T>C

Gene: MED12 (mediator complex subunit 12; plus strand). Cytogenetic location: Xq13.1.
Variant type: single nucleotide variant.
Coding change: c.6267+20T>C on transcript NM_005120.3 (MANE Select); 20 bases into the intron after coding-DNA position 6267, T replaced by C.
Molecular consequence: intron variant.
Genome position (GRCh38, 1-based): chrX:71,140,877, T>C. VCF-style: chrX-71140877-T-C. GRCh37 (hg19) VCF-style: chrX-70360727-T-C.
Identifiers: ClinVar variation 392008 (VCV000392008.9), dbSNP rs1032542640, ClinGen allele CA16609210.
Genomic context (GRCh38, chrX:71,140,877, plus strand): 5'-AGTACCACATCCGGCAGCAGCAGCAGCAGCAGATCCTGCGGGTAAGGCACTGGGATTTCA[T>C]CTGGGACCTGGGAGCCCAGGGAGGAAGAGAGGCACAAGTTCTTCCCACACAGTTACCGAG-3'

ClinVar aggregate classification (germline): Likely benign. Review status: criteria provided, multiple submitters, no conflicts (2 of 4 stars). 2 submissions from 2 submitters: Likely benign (2). Last evaluated 2025-12-10.

Conditions:
FG syndrome (FGS). Identifiers: MedGen C0220769, MONDO:0002010.

Allele frequency attached by ClinVar (database versions not stated): gnomAD 0.00001; TOPMed 0.00001; gnomAD exomes 0.00002.
gnomAD v4.1: 26 of 1,199,044 alleles (0.0022%); highest among the groups gnomAD compares: Non-Finnish European, 0.0027%; no homozygotes.

Submissions (2):

Labcorp Genetics (formerly Invitae), Labcorp
Classification: Likely benign for FG syndrome. Last evaluated: 2025-12-10. Review status: criteria provided, single submitter. Criteria: Invitae Variant Classification Sherloc (09022015). Collection method: clinical testing. Allele origin: germline.

GeneDx
Classification: Likely benign. Last evaluated: 2016-12-21. Review status: criteria provided, single submitter. Criteria: GeneDx Variant Classification (06012015). Collection method: clinical testing. Allele origin: germline. Affected: yes.
Comment: This variant is considered likely benign or benign based on one or more of the following criteria: it is a conservative change, it occurs at a poorly conserved position in the protein, it is predicted to be benign by multiple in silico algorithms, and/or has population frequency not consistent with disease.